The following is an entry in ClinVar:

ClinVar aggregate classification (germline): Uncertain significance (1 of 4 stars; one submission).

Conditions:
Inborn genetic diseases. Identifiers: MedGen C0950123, MeSH D030342.

Submission:

Ambry Genetics
Classification: Uncertain significance for Inborn genetic diseases. Last evaluated: 2025-08-22. Review status: criteria provided, single submitter. Criteria: Ambry Variant Classification Scheme 2023. Collection method: clinical testing. Allele origin: germline.
Comment: The p.I139F variant (also known as c.415A>T), located in coding exon 2 of the ERCC6L2 gene, results from an A to T substitution at nucleotide position 415. The isoleucine at codon 139 is replaced by phenylalanine, an amino acid with highly similar properties. This amino acid position is conserved. In addition, the in silico prediction for this alteration is inconclusive. Based on the available evidence, the clinical significance of this variant remains unclear.

NM_020207.7(ERCC6L2):c.415A>T (p.Ile139Phe)

Gene: ERCC6L2 (ERCC excision repair 6 like 2; plus strand). Cytogenetic location: 9q22.32.
Variant type: single nucleotide variant.
Coding change: c.415A>T on transcript NM_020207.7 (MANE Select); coding-DNA position 415, A replaced by T.
Protein change: p.Ile139Phe; replaces isoleucine 139 with phenylalanine.
Molecular consequence: missense variant. On other transcripts: non-coding transcript variant (1).
Genome position (GRCh38, 1-based): chr9:95,881,237, A>T. VCF-style: chr9-95881237-A-T. GRCh37 (hg19) VCF-style: chr9-98643519-A-T.
Other names: c.415A>T, p.Ile139Phe (NM_001010895.4, NM_001375291.1, NM_001375292.1 and 2 more transcripts); short protein forms I139F.
Identifiers: ClinVar variation 4250629 (VCV004250629.1).
Genomic context (GRCh38, chr9:95,881,237, plus strand): 5'-ATCAATAGGTATTTGAGAGACTACCAAAGAGAAGGAACCCGGTTTCTTTATGGACACTAC[A>T]TCCATGGAGGAGGGTGCATTCTGGGTGATGACATGGGACTTGGAAAAACAGTACAGGTAT-3'
Protein context (NP_064592.3, residues 129-149): EGTRFLYGHY[Ile139Phe]HGGGCILGDD